The following is an entry in ClinVar:

ClinVar aggregate classification (germline): Uncertain significance (1 of 4 stars; one submission).

Submission:

GeneDx
Classification: Uncertain significance. Last evaluated: 2024-10-28. Review status: criteria provided, single submitter. Criteria: GeneDx Variant Classification Process June 2021. Collection method: clinical testing. Allele origin: germline. Affected: yes.
Comment: Not observed at significant frequency in large population cohorts (gnomAD); In silico analysis supports that this missense variant has a deleterious effect on protein structure/function; Has not been previously published as pathogenic or benign to our knowledge

NM_015047.3(EMC1):c.1750C>G (p.Pro584Ala)

Genes: EMC1 (ER membrane protein complex subunit 1; minus strand), EMC1-AS1 (EMC1 antisense RNA 1; plus strand). Cytogenetic location: 1p36.13.
Variant type: single nucleotide variant.
Coding change: c.1750C>G on transcript NM_015047.3 (MANE Select); coding-DNA position 1750, C replaced by G.
Protein change: p.Pro584Ala; replaces proline 584 with alanine.
Molecular consequence: missense variant.
Genome position (GRCh38, 1-based): chr1:19,232,656, G>C on the plus strand (C>G on the coding strand, the complement: EMC1 is on the minus strand). VCF-style: chr1-19232656-G-C. GRCh37 (hg19) VCF-style: chr1-19559150-G-C.
Other names: c.1747C>G, p.Pro583Ala (NM_001271427.2, NM_001271428.2); c.1684C>G, p.Pro562Ala (NM_001271429.2); c.1759C>G, p.Pro587Ala (NM_001375820.1); c.1756C>G, p.Pro586Ala (NM_001375821.1); short protein forms P562A, P583A, P584A, P586A, P587A.
Identifiers: ClinVar variation 3893544 (VCV003893544.1).